The following is an entry in ClinVar:

ClinVar aggregate classification (germline): Conflicting classifications of pathogenicity. Review status: criteria provided, conflicting classifications (1 of 4 stars). 3 submissions from 3 submitters: Uncertain significance (1); Likely benign (2). Last evaluated 2026-02-01.

Conditions:
Infantile myofibromatosis (IMF). Also called: Congenital generalized fibromatosis. Identifiers: Orphanet 2591, MedGen C0432284, MONDO:0016824.
Basal ganglia calcification, idiopathic, 4 (PFBC4). Also called: Familial Idiopathic Basal Ganglia Calcification 4; PRIMARY FAMILIAL BRAIN CALCIFICATION 4, AUTOSOMAL DOMINANT. Identifiers: Orphanet 1980, MedGen C3554321, MONDO:0014004, OMIM 615007.
Skeletal overgrowth-craniofacial dysmorphism-hyperelastic skin-white matter lesions syndrome. Also called: SKELETAL OVERGROWTH WITH FACIAL DYSMORPHISM, HYPERELASTIC SKIN, WHITE MATTER LESIONS, AND NEUROLOGIC DETERIORATION; Kosaki overgrowth syndrome. Identifiers: Orphanet 477831, MedGen C4225270, MONDO:0014704, OMIM 616592.
Acroosteolysis-keloid-like lesions-premature aging syndrome. Also called: Premature aging syndrome, Penttinen type; Prematurely aged appearance, delayed bone maturation, acro-osteolysis, and brachydactyly; Progeroid syndrome, Penttinen type. Identifiers: Orphanet 363665, MedGen C1866182, MONDO:0011150, OMIM 601812.
Inborn genetic diseases. Identifiers: MedGen C0950123, MeSH D030342.

Allele frequency attached by ClinVar (database versions not stated): TOPMed 0.00003; 1000 Genomes Project 30x 0.00016; 1000 Genomes Project 0.00020; ESP Exome Variant Server 0.00008.
gnomAD v4.1: 86 of 1,614,110 alleles (0.0053%); highest among the groups gnomAD compares: Middle Eastern, 0.033%; 1 homozygote.

Submissions (3):

CeGaT Center for Human Genetics Tuebingen
Classification: Likely benign. Last evaluated: 2026-02-01. Review status: criteria provided, single submitter. Criteria: CeGaT Center For Human Genetics Tuebingen Variant Classification Criteria Version 2. Collection method: clinical testing. Allele origin: germline. Affected: yes. Observed: 1 variant allele.
Comment: PDGFRB: BP4

Labcorp Genetics (formerly Invitae), Labcorp
Classification: Uncertain significance for Basal ganglia calcification, idiopathic, 4; Skeletal overgrowth-craniofacial dysmorphism-hyperelastic skin-white matter lesions syndrome; Infantile myofibromatosis; Acroosteolysis-keloid-like lesions-premature aging syndrome. Last evaluated: 2025-01-14. Review status: criteria provided, single submitter. Criteria: Invitae Variant Classification Sherloc (09022015). Collection method: clinical testing. Allele origin: germline.
Comment: This sequence change replaces proline, which is neutral and non-polar, with leucine, which is neutral and non-polar, at codon 59 of the PDGFRB protein (p.Pro59Leu). This variant is present in population databases (rs202213873, gnomAD 0.01%), and has an allele count higher than expected for a pathogenic variant. This variant has not been reported in the literature in individuals affected with PDGFRB-related conditions. ClinVar contains an entry for this variant (Variation ID: 951630). Invitae Evidence Modeling of protein sequence and biophysical properties (such as structural, functional, and spatial information, amino acid conservation, physicochemical variation, residue mobility, and thermodynamic stability) indicates that this missense variant is not expected to disrupt PDGFRB protein function with a negative predictive value of 80%. In summary, the available evidence is currently insufficient to determine the role of this variant in disease. Therefore, it has been classified as a Variant of Uncertain Significance.

Ambry Genetics
Classification: Likely benign for Inborn genetic diseases. Last evaluated: 2022-11-10. Review status: criteria provided, single submitter. Criteria: Ambry Variant Classification Scheme 2023. Collection method: clinical testing. Allele origin: germline.

NM_002609.4(PDGFRB):c.176C>T (p.Pro59Leu)

Gene: PDGFRB (platelet derived growth factor receptor beta; minus strand). Cytogenetic location: 5q32.
Variant type: single nucleotide variant.
Coding change: c.176C>T on transcript NM_002609.4 (MANE Select); coding-DNA position 176, C replaced by T.
Protein change: p.Pro59Leu; replaces proline 59 with leucine.
Molecular consequence: missense variant. On other transcripts: 5 prime UTR variant (2).
Genome position (GRCh38, 1-based): chr5:150,135,743, G>A on the plus strand (C>T on the coding strand, the complement: PDGFRB is on the minus strand). VCF-style: chr5-150135743-G-A. GRCh37 (hg19) VCF-style: chr5-149515306-G-A.
Other names: c.-17C>T (NM_001355016.2); c.-342C>T (NM_001355017.2); short protein forms P59L.
Identifiers: ClinVar variation 951630 (VCV000951630.13), dbSNP rs202213873, ClinGen allele CA3508391.